The following is an entry in ClinVar:

NM_000336.3(SCNN1B):c.1174C>T (p.Gln392Ter)

Gene: SCNN1B (sodium channel epithelial 1 subunit beta; plus strand). Cytogenetic location: 16p12.2.
Variant type: single nucleotide variant.
Coding change: c.1174C>T on transcript NM_000336.3 (MANE Select); coding-DNA position 1174, C replaced by T.
Protein change: p.Gln392Ter; replaces glutamine 392 with a stop codon.
Molecular consequence: nonsense.
Genome position (GRCh38, 1-based): chr16:23,375,759, C>T. VCF-style: chr16-23375759-C-T. GRCh37 (hg19) VCF-style: chr16-23387080-C-T.
Other names: c.1066C>T, p.Gln356Ter (NM_001410900.1); short protein forms Q356*, Q392*.
Identifiers: ClinVar variation 2633063 (VCV002633063.1), dbSNP rs2506491717, ClinGen allele CA395110371.

ClinVar aggregate classification (germline): Likely pathogenic (1 of 4 stars; one submission).

Conditions:
SCNN1B-related disorder. Also called: SCNN1B-related condition.

Submission:

PreventionGenetics, part of Exact Sciences
Classification: Likely pathogenic for SCNN1B-related condition. Last evaluated: 2023-05-15. Review status: criteria provided, single submitter. Criteria: ACMG Guidelines, 2015. Collection method: clinical testing. Allele origin: germline.
Comment: The SCNN1B c.1174C>T variant is predicted to result in premature protein termination (p.Gln392*). To our knowledge, this variant has not been reported in the literature or in a large population database, indicating this variant is rare. Nonsense variants in SCNN1B are expected to be pathogenic. This variant is interpreted as likely pathogenic.